The following is an entry in ClinVar:

ClinVar aggregate classification (germline): Uncertain significance. Review status: criteria provided, multiple submitters, no conflicts (2 of 4 stars). 2 submissions from 2 submitters: Uncertain significance (2). Last evaluated 2022-11-23.

Conditions:
Hypertrophic cardiomyopathy. Also called: HYPERTROPHIC MYOCARDIOPATHY. Identifiers: Orphanet 217569, MedGen C0007194, MeSH D002312, MONDO:0005045, HP:0001639.

Allele frequency attached by ClinVar (database versions not stated): gnomAD exomes below 0.00001.

Submissions (2):

Labcorp Genetics (formerly Invitae), Labcorp
Classification: Uncertain significance for Hypertrophic cardiomyopathy. Last evaluated: 2022-11-23. Review status: criteria provided, single submitter. Criteria: Invitae Variant Classification Sherloc (09022015). Collection method: clinical testing. Allele origin: germline.
Comment: In summary, the available evidence is currently insufficient to determine the role of this variant in disease. Therefore, it has been classified as a Variant of Uncertain Significance. Studies have shown that this missense change is associated with altered splicing resulting in an unknown protein product impact (PMID: 34097875). Algorithms developed to predict the effect of missense changes on protein structure and function output the following: SIFT: "Tolerated"; PolyPhen-2: "Benign"; Align-GVGD: "Class C0". The serine amino acid residue is found in multiple mammalian species, which suggests that this missense change does not adversely affect protein function. ClinVar contains an entry for this variant (Variation ID: 180918). This missense change has been observed in individual(s) with clinical features of MYBPC3-related conditions (Invitae). This variant is not present in population databases (gnomAD no frequency). This sequence change replaces asparagine, which is neutral and polar, with serine, which is neutral and polar, at codon 763 of the MYBPC3 protein (p.Asn763Ser).

GeneDx
Classification: Uncertain significance. Last evaluated: 2016-04-26. Review status: criteria provided, single submitter. Criteria: GeneDx Variant Classification (06012015). Collection method: clinical testing. Allele origin: germline. Affected: yes.
Comment: The c.2288 A>G (N763S) variant has not been published as a pathogenic variant, nor has it been reported as a benign variant to our knowledge. This variant was not observed in approximately 6,300 individuals of European and African American ancestry in the NHLBI Exome Sequencing Project, indicating it is not a common benign variant in these populations. c.2288 A>G occurs at a nucleotide position that is conserved in mammals and the c.2288 A>G variant results in the N763S conservative amino acid substitution, which is not likely to impact secondary protein structure as these residues share similar properties. Alternatively, in silico splice prediction programs predict c.2288 A>G may result in the creation of a cryptic splice donor site upstream of the natural donor site and cause abnormal gene splicing. However, in the absence of functional mRNA studies, the physiological consequences of this variant cannot be precisely determined. Nevertheless, both missense and splice site variants have been reported in the MYBPC3 gene in the Human Gene Mutation Database in association with cardiomyopathy (Stenson et al., 2014). Therefore, based on the currently available information, it is unclear whether this variant is pathogenic or rare benign.

Literature cited by the submitters: PubMed 34097875 (cited by Labcorp Genetics (formerly Invitae), Labcorp).

NM_000256.3(MYBPC3):c.2288A>G (p.Asn763Ser)

Gene: MYBPC3 (myosin binding protein C3; minus strand). Cytogenetic location: 11p11.2.
Variant type: single nucleotide variant.
Coding change: c.2288A>G on transcript NM_000256.3 (MANE Select); coding-DNA position 2288, A replaced by G.
Protein change: p.Asn763Ser; replaces asparagine 763 with serine.
Molecular consequence: missense variant.
Genome position (GRCh38, 1-based): chr11:47,338,540, T>C on the plus strand (A>G on the coding strand, the complement: MYBPC3 is on the minus strand). VCF-style: chr11-47338540-T-C. GRCh37 (hg19) VCF-style: chr11-47360091-T-C.
Other names: p.N763S:AAC>AGC; c.2288A>G, p.Asn763Ser (LRG_386t1); short protein forms N763S.
Identifiers: ClinVar variation 180918 (VCV000180918.5), dbSNP rs730880527, ClinGen allele CA011974.